The following is an entry in ClinVar:

ClinVar aggregate classification (germline): Conflicting classifications of pathogenicity. Review status: criteria provided, conflicting classifications (1 of 4 stars). 5 submissions from 5 submitters: Pathogenic (3); Likely pathogenic (1); Uncertain significance (1). Last evaluated 2025-12-03.

Conditions:
ABCC6-related disorder. Also called: ABCC6-related condition.
Autosomal recessive inherited pseudoxanthoma elasticum (PXE). Identifiers: Orphanet 758, MedGen CN032334, MONDO:0009925, OMIM 264800.
Pseudoxanthoma elasticum, forme fruste. Also called: Pseudoxanthoma Elasticum, Incomplete; PSEUDOXANTHOMA ELASTICUM, HETEROZYGOUS. Identifiers: Orphanet 758, MedGen C1867450, MONDO:0008333, OMIM 177850.
Arterial calcification, generalized, of infancy, 2. Identifiers: Orphanet 51608, MedGen C3276161, MONDO:0013768, OMIM 614473.

Allele frequency attached by ClinVar (database versions not stated): gnomAD exomes 0.00005 and 0.00004; gnomAD 0.00010 and 0.00011; TOPMed 0.00014.
gnomAD v4.1: 90 of 1,577,280 alleles (0.0057%); highest among the groups gnomAD compares: Admixed American, 0.031%; no homozygotes.

Submissions (5):

Labcorp Genetics (formerly Invitae), Labcorp
Classification: Pathogenic. Last evaluated: 2025-12-03. Review status: criteria provided, single submitter. Criteria: Invitae Variant Classification Sherloc (09022015). Collection method: clinical testing. Allele origin: germline.
Comment: This sequence change replaces arginine, which is basic and polar, with glutamine, which is neutral and polar, at codon 1314 of the ABCC6 protein (p.Arg1314Gln). This variant is present in population databases (rs63751086, gnomAD 0.02%). This missense change has been observed in individual(s) with pseudoxanthoma elasticum (PMID: 29722917). In at least one individual the data is consistent with being in trans (on the opposite chromosome) from a pathogenic variant. It has also been observed to segregate with disease in related individuals. ClinVar contains an entry for this variant (Variation ID: 402332). Invitae Evidence Modeling of protein sequence and biophysical properties (such as structural, functional, and spatial information, amino acid conservation, physicochemical variation, residue mobility, and thermodynamic stability) indicates that this missense variant is expected to disrupt ABCC6 protein function with a positive predictive value of 95%. This variant disrupts the p.Arg1314 amino acid residue in ABCC6. Other variant(s) that disrupt this residue have been determined to be pathogenic (PMID: 10835642, 19339160). This suggests that this residue is clinically significant, and that variants that disrupt this residue are likely to be disease-causing. For these reasons, this variant has been classified as Pathogenic.

Fulgent Genetics
Classification: Likely pathogenic for Pseudoxanthoma elasticum, forme fruste; Autosomal recessive inherited pseudoxanthoma elasticum; Arterial calcification, generalized, of infancy, 2. Last evaluated: 2024-05-23. Review status: criteria provided, single submitter. Criteria: ACMG Guidelines, 2015. Collection method: clinical testing. Allele origin: germline.

Blueprint Genetics
Classification: Pathogenic for ABCC6-related disorders. Last evaluated: 2022-07-08. Review status: criteria provided, single submitter. Criteria: ACMG Guidelines, 2015. Collection method: clinical testing. Allele origin: germline. Affected: yes. Observed: 2 variant alleles.

PXE International
Classification: Pathogenic for Autosomal recessive inherited pseudoxanthoma elasticum. Last evaluated: 2021-03-01. Review status: criteria provided, single submitter. Criteria: Submitter's publication. Collection method: research. Allele origin: germline. Inheritance: Autosomal recessive inheritance. Affected: yes. Observed: 1 variant allele.

Laboratory for Molecular Medicine, Mass General Brigham Personalized Medicine
Classification: Uncertain significance. Last evaluated: 2016-03-28. Review status: criteria provided, single submitter. Criteria: LMM Criteria. Collection method: clinical testing. Allele origin: germline.
Comment: Variant identified in a genome or exome case(s) and assessed due to predicted null impact of the variant or pathogenic assertions in the literature or databases. Disclaimer: This variant has not undergone full assessment. The following are preliminary notes: LeSaux 2001: reported in 1 compound heterozygote individual (/122) with pseudoxanthoma elasticum. No info about the other mutation

Literature cited by the submitters: PubMed 29722917 (cited by Labcorp Genetics (formerly Invitae), Labcorp); PubMed 10835642 (cited by Labcorp Genetics (formerly Invitae), Labcorp); PubMed 19339160 (cited by Labcorp Genetics (formerly Invitae), Labcorp); PubMed 32873932 (cited by PXE International).

NM_001171.6(ABCC6):c.3941G>A (p.Arg1314Gln)

Gene: ABCC6 (ATP binding cassette subfamily C member 6; minus strand). Cytogenetic location: 16p13.11.
Variant type: single nucleotide variant.
Coding change: c.3941G>A on transcript NM_001171.6 (MANE Select); coding-DNA position 3941, G replaced by A.
Protein change: p.Arg1314Gln; replaces arginine 1314 with glutamine.
Molecular consequence: missense variant. On other transcripts: non-coding transcript variant (1).
Genome position (GRCh38, 1-based): chr16:16,154,973, C>T on the plus strand (G>A on the coding strand, the complement: ABCC6 is on the minus strand). VCF-style: chr16-16154973-C-T. GRCh37 (hg19) VCF-style: chr16-16248830-C-T.
Other names: c.3599G>A, p.Arg1200Gln (NM_001351800.1); short protein forms R1314Q, R1200Q.
Identifiers: ClinVar variation 402332 (VCV000402332.14), dbSNP rs63751086, ClinGen allele CA16609774.